The following is an entry in ClinVar:

NM_173689.7(CRB2):c.1087C>T (p.Leu363=)

Gene: CRB2 (crumbs cell polarity complex component 2; plus strand). Cytogenetic location: 9q33.3.
Variant type: single nucleotide variant.
Coding change: c.1087C>T on transcript NM_173689.7 (MANE Select); coding-DNA position 1087, C replaced by T.
Protein change: p.Leu363=; no amino-acid change (leucine 363 retained).
Molecular consequence: synonymous variant. On other transcripts: non-coding transcript variant (1).
Genome position (GRCh38, 1-based): chr9:123,370,140, C>T. VCF-style: chr9-123370140-C-T. GRCh37 (hg19) VCF-style: chr9-126132419-C-T.
Identifiers: ClinVar variation 3352920 (VCV003352920.1).

ClinVar aggregate classification (germline): Likely benign (0 of 4 stars; one submission).

Conditions:
CRB2-related disorder. Also called: CRB2-related condition; CRB2-related disorders.

gnomAD v4.1: 43 of 1,600,390 alleles (0.0027%); highest among the groups gnomAD compares: Admixed American, 0.005%; no homozygotes.

Submission:

PreventionGenetics, part of Exact Sciences
Classification: Likely benign for CRB2-related condition. Last evaluated: 2019-04-16. Review status: no assertion criteria provided. Collection method: clinical testing. Allele origin: germline.
Comment: This variant is classified as likely benign based on ACMG/AMP sequence variant interpretation guidelines (Richards et al. 2015 PMID: 25741868, with internal and published modifications).